The following is an entry in ClinVar:

ClinVar aggregate classification (germline): Uncertain significance (1 of 4 stars; one submission).

Conditions:
Familial thoracic aortic aneurysm and aortic dissection (TAAD). Also called: Thoracic aortic aneurysms and dissections. Identifiers: Orphanet 91387, MedGen C4707243, MONDO:0019625.

Submission:

Ambry Genetics
Classification: Uncertain significance for Familial thoracic aortic aneurysm and aortic dissection. Last evaluated: 2026-06-09. Review status: criteria provided, single submitter. Criteria: Ambry Variant Classification Scheme 2023. Collection method: clinical testing. Allele origin: germline.
Comment: The p.D501V variant (also known as c.1502A>T), located in coding exon 11 of the MED12 gene, results from an A to T substitution at nucleotide position 1502. The aspartic acid at codon 501 is replaced by valine, an amino acid with highly dissimilar properties. This amino acid position is conserved. In addition, the in silico prediction for this alteration is inconclusive. Based on the available evidence, the clinical significance of this variant remains unclear.

NM_005120.3(MED12):c.1502A>T (p.Asp501Val)

Genes: MED12 (mediator complex subunit 12; plus strand), LOC126863275 (BRD4-independent group 4 enhancer GRCh37_chrX:70342400-70343599; plus strand). Cytogenetic location: Xq13.1.
Variant type: single nucleotide variant.
Coding change: c.1502A>T on transcript NM_005120.3 (MANE Select); coding-DNA position 1502, A replaced by T.
Protein change: p.Asp501Val; replaces aspartic acid 501 with valine.
Molecular consequence: missense variant.
Genome position (GRCh38, 1-based): chrX:71,123,111, A>T. VCF-style: chrX-71123111-A-T. GRCh37 (hg19) VCF-style: chrX-70342961-A-T.
Other names: short protein forms D501V.
Identifiers: ClinVar variation 4859842 (VCV004859842.1).